The following is an entry in ClinVar:

NM_001128164.2(ATXN1):c.214C>T (p.Gln72Ter)

Gene: ATXN1 (ataxin 1; minus strand). Cytogenetic location: 6p22.3.
Variant type: single nucleotide variant.
Coding change: c.214C>T on transcript NM_001128164.2 (MANE Select); coding-DNA position 214, C replaced by T.
Protein change: p.Gln72Ter; replaces glutamine 72 with a stop codon.
Molecular consequence: nonsense. On other transcripts: missense variant (1).
Genome position (GRCh38, 1-based): chr6:16,328,097, G>A on the plus strand (C>T on the coding strand, the complement: ATXN1 is on the minus strand). VCF-style: chr6-16328097-G-A. GRCh37 (hg19) VCF-style: chr6-16328328-G-A.
Other names: c.214C>T, p.Gln72Ter (NM_000332.4); c.185C>T, p.Thr62Ile (NM_001357857.2); short protein forms Q72*, T62I.
Identifiers: ClinVar variation 4851671 (VCV004851671.1).

ClinVar aggregate classification (germline): Uncertain significance (1 of 4 stars; one submission).

Submission:

Greenwood Genetic Center Diagnostic Laboratories, Greenwood Genetic Center
Classification: Uncertain significance. Last evaluated: 2025-02-10. Review status: criteria provided, single submitter. Criteria: ACMG Guidelines, 2015. Collection method: clinical testing. Allele origin: germline.
Comment: Gene of Uncertain Significance